The following is an entry in ClinVar:

ClinVar aggregate classification (germline): Uncertain significance. Review status: criteria provided, multiple submitters, no conflicts (2 of 4 stars). 6 submissions from 6 submitters: Uncertain significance (5). 1 of the submissions does not count toward it. Last evaluated 2024-12-04.

Conditions:
Cardiovascular phenotype. Identifiers: MedGen CN230736.
Noonan syndrome 1 (NS1). Also called: TURNER PHENOTYPE WITH NORMAL KARYOTYPE; FEMALE PSEUDO-TURNER SYNDROME; PTPN11-Related Noonan Syndrome. Identifiers: Orphanet 648, MedGen C4551602, MONDO:0008104, OMIM 163950. Disease mechanism: gain of function.
Juvenile myelomonocytic leukemia (JMML). Also called: LEUKEMIA, JUVENILE MYELOMONOCYTIC, SOMATIC. Identifiers: Orphanet 86834, MedGen C0349639, MONDO:0011908, OMIM 607785, HP:0012209.
LEOPARD syndrome 1 (LPRD1). Also called: LENTIGINOSIS, CARDIOMYOPATHIC; MULTIPLE LENTIGINES SYNDROME; PTPN11-Related LEOPARD Syndrome. Identifiers: Orphanet 500, MedGen C4551484, MONDO:0100082, OMIM 151100.
Metachondromatosis (METCDS). Identifiers: Orphanet 2499, MedGen C0410530, MONDO:0007979, OMIM 156250.
PTPN11-related disorder. Also called: PTPN11-Related Disorders.
RASopathy. Also called: Noonan spectrum disorder; rasopathies. Identifiers: Orphanet 536391, MedGen C5555857, MONDO:0021060.

Allele frequency attached by ClinVar (database versions not stated): TOPMed below 0.00001; gnomAD 0.00001; gnomAD exomes 0.00002; ExAC 0.00003.
gnomAD v4.1: 15 of 1,611,690 alleles (0.00093%); highest among the groups gnomAD compares: Admixed American, 0.005%; no homozygotes.

Submissions (6):

Labcorp Genetics (formerly Invitae), Labcorp
Classification: Uncertain significance for RASopathy. Last evaluated: 2024-12-04. Review status: criteria provided, single submitter. Criteria: Invitae Variant Classification Sherloc (09022015). Collection method: clinical testing. Allele origin: germline.
Comment: This sequence change replaces methionine, which is neutral and non-polar, with valine, which is neutral and non-polar, at codon 311 of the PTPN11 protein (p.Met311Val). This variant is present in population databases (rs774939392, gnomAD 0.009%). This missense change has been observed in individual(s) with PTPN11-related conditions (PMID: 22465605). ClinVar contains an entry for this variant (Variation ID: 372668). Invitae Evidence Modeling of protein sequence and biophysical properties (such as structural, functional, and spatial information, amino acid conservation, physicochemical variation, residue mobility, and thermodynamic stability) indicates that this missense variant is not expected to disrupt PTPN11 protein function with a negative predictive value of 80%. In summary, the available evidence is currently insufficient to determine the role of this variant in disease. Therefore, it has been classified as a Variant of Uncertain Significance.

Fulgent Genetics
Classification: Uncertain significance for LEOPARD syndrome 1; Metachondromatosis; Noonan syndrome 1; Juvenile myelomonocytic leukemia. Last evaluated: 2022-04-06. Review status: criteria provided, single submitter. Criteria: ACMG Guidelines, 2015. Collection method: clinical testing. Allele origin: unknown.

Laboratory for Molecular Medicine, Mass General Brigham Personalized Medicine
Classification: Uncertain significance. Last evaluated: 2018-03-06. Review status: criteria provided, single submitter. Criteria: LMM Criteria. Collection method: clinical testing. Allele origin: germline.
Comment: Disclaimer: This variant has not undergone full assessment. The following are preliminary notes: in ClinVar -VUS by GeneDx, not in HGMD or Google search; in 7/246208 total chrs in GnomAd

Ambry Genetics
Classification: Uncertain significance for Cardiovascular phenotype. Last evaluated: 2016-08-04. Review status: criteria provided, single submitter. Criteria: Ambry Variant Classification Scheme 2023. Collection method: clinical testing. Allele origin: germline.
Comment: The p.M311V variant (also known as c.931A>G), located in coding exon 8 of the PTPN11 gene, results from an A to G substitution at nucleotide position 931. The methionine at codon 311 is replaced by valine, an amino acid with highly similar properties. This variant has been detected in cis with a known PTPN11 mutation, p.Y63C (c.188A>G) in several individuals with suspected Noonan syndrome from two unrelated families (Ezquieta B et al. Rev Esp Cardiol (Engl Ed), 2012 May;65:447-55; Collazo J et al. Rev Esp Cardiol (Engl Ed), 2012 Mar; Volume3N1) ).This variant was not reported in population based cohorts in the following databases: Database of Single Nucleotide Polymorphisms (dbSNP), NHLBI Exome Sequencing Project (ESP), and 1000 Genomes Project. In the ESP, this variant was not observed in 6503 samples (13006 alleles) with coverage at this position. This amino acid position is highly conserved in available vertebrate species. In addition, the in silico prediction for this alteration is inconclusive. Since supporting evidence is limited at this time, the clinical significance of this alteration remains unclear.

GeneDx
Classification: Uncertain significance. Last evaluated: 2015-08-26. Review status: criteria provided, single submitter. Criteria: GeneDx Variant Classification (06012015). Collection method: clinical testing. Allele origin: germline. Affected: yes.
Comment: The M311V variant has been published previously in a patient with a Noonan-spectrum disorder in cis with the PTPN11 Y63C variant (Ezquieta et al., 2012). The authors of this study suggested M311V is a polymorphism based on in silico predictions. The M311V variant was not observed in approximately 6,500 individuals of European and African American ancestry in the NHLBI Exome Sequencing Project, indicating it is not a common benign variant in these populations. The M311V variant is a conservative amino acid substitution, which is not likely to impact secondary protein structure as these residues share similar properties. This substitution occurs at a position within the tyrosine protein-phosphatase domain where amino acids with similar properties to methionine are tolerated across species. However, in silico analysis is inconsistent in its predictions as to whether or not the variant is damaging to the protein structure/function, and missense variants in nearby residues (N308D/T/S, I309V) have been reported in the Human Gene Mutation Database in association with Noonan syndrome (Stenson et al., 2014), supporting the functional importance of this region of the protein. Therefore, based on the currently available information, it is unclear whether this variant is a pathogenic variant or a rare benign variant.

PreventionGenetics, part of Exact Sciences
Classification: Likely benign for PTPN11-related condition. Last evaluated: 2021-04-07. Review status: no assertion criteria provided. Collection method: clinical testing. Allele origin: germline. Not counted in ClinVar's aggregate classification.
Comment: This variant is classified as likely benign based on ACMG/AMP sequence variant interpretation guidelines (Richards et al. 2015 PMID: 25741868, with internal and published modifications).

Literature cited by the submitters: PubMed 22465605 (cited by Labcorp Genetics (formerly Invitae), Labcorp and Ambry Genetics).

NM_002834.5(PTPN11):c.931A>G (p.Met311Val)

Gene: PTPN11 (protein tyrosine phosphatase non-receptor type 11; plus strand). Cytogenetic location: 12q24.13.
Variant type: single nucleotide variant.
Coding change: c.931A>G on transcript NM_002834.5 (MANE Select); coding-DNA position 931, A replaced by G.
Protein change: p.Met311Val; replaces methionine 311 with valine.
Molecular consequence: missense variant.
Genome position (GRCh38, 1-based): chr12:112,477,728, A>G. VCF-style: chr12-112477728-A-G. GRCh37 (hg19) VCF-style: chr12-112915532-A-G.
Other names: c.931A>G, p.Met311Val (NM_001330437.2, NM_080601.3); c.928A>G, p.Met310Val (NM_001374625.1); c.931A>G (NM_002834.4); short protein forms M311V, M310V.
Identifiers: ClinVar variation 372668 (VCV000372668.17), dbSNP rs774939392, ClinGen allele CA6798676.